The following is an entry in ClinVar:

ClinVar aggregate classification (germline): Conflicting classifications of pathogenicity. Review status: criteria provided, conflicting classifications (1 of 4 stars). 9 submissions from 9 submitters: Pathogenic (4); Likely pathogenic (3); Uncertain significance (1). 1 of the submissions does not count toward it. Last evaluated 2025-12-15.

Conditions:
Medium-chain acyl-coenzyme A dehydrogenase deficiency (ACADMD). Also called: Medium chain acyl-CoA dehydrogenase deficiency; MCADD; CARNITINE DEFICIENCY SECONDARY TO MEDIUM-CHAIN ACYL-CoA DEHYDROGENASE DEFICIENCY; ACADM DEFICIENCY; MCADH DEFICIENCY; MCAD Deficiency. Identifiers: Orphanet 42, MedGen C0220710, MONDO:0008721, OMIM 201450.

Allele frequency attached by ClinVar (database versions not stated): gnomAD exomes 0.00001 and 0.00002; ExAC 0.00002; TOPMed 0.00002.
gnomAD v4.1: 8 of 1,612,052 alleles (0.0005%); highest among the groups gnomAD compares: Admixed American, 0.013%; no homozygotes.

Submissions (9):

Myriad Genetics, Inc.
Classification: Uncertain significance for Medium-chain acyl-coenzyme A dehydrogenase deficiency. Last evaluated: 2025-12-15. Review status: criteria provided, single submitter. Criteria: Myriad Autosomal Dominant, Autosomal Recessive and X-Linked Classification Criteria (2023). Collection method: clinical testing. Allele origin: unknown.
Comment: NM_000016.4(ACADM):c.580A>G(N194D) is a missense variant classified as a variant of uncertain significance in the context of medium-chain acyl-CoA dehydrogenase deficiency. N194D has been observed in cases with relevant disease (PMID: 18241067, 27751224, 36068006, 40660651). Relevant functional assessments of this variant are not available in the literature. N194D has been observed in referenced population frequency databases. In summary, there is insufficient evidence to classify NM_000016.4(ACADM):c.580A>G(N194D) as pathogenic or benign. Please note: this variant was assessed in the context of healthy population screening.

Natera, Inc.
Classification: Likely pathogenic for Medium Chain Acyl-CoA Dehydrogenase Deficiency. Last evaluated: 2025-10-02. Review status: criteria provided, single submitter. Criteria: Natera Variant Classification Schema (03/2026). Collection method: clinical testing. Allele origin: germline.
Comment: The c.580A>G variant in ACADM is a missense variant predicted to cause substitution of asparagine to aspartic acid at amino acid 194. This variant is rare in the general population with a frequency below the threshold expected for the associated phenotype(s). This variant has been observed in one or more individuals affected with the associated recessive disease, as either homozygous or compound heterozygous with a second variant (PMID: 18241067, 27751224). This variant has been identified in one or more affected individual with a phenotype highly consistent with the associated gene (PMID: 18241067, 27751224). Computational prediction algorithms indicate this variant is likely to affect gene or protein function. Given the available evidence, this variant is classified as Likely Pathogenic.

GeneDx
Classification: Likely pathogenic. Last evaluated: 2025-07-21. Review status: criteria provided, single submitter. Criteria: GeneDx Variant Classification Process June 2021. Collection method: clinical testing. Allele origin: germline. Affected: yes.
Comment: In silico analysis supports that this missense variant has a deleterious effect on protein structure/function; Not observed at significant frequency in large population cohorts (gnomAD); This variant is associated with the following publications: (PMID: 36068006, 27751224, 18241067, 20434380, 34394177, 32778825, 23700290, 30675864, 37308883, 40660651)

Labcorp Genetics (formerly Invitae), Labcorp
Classification: Pathogenic for Medium-chain acyl-coenzyme A dehydrogenase deficiency. Last evaluated: 2025-06-04. Review status: criteria provided, single submitter. Criteria: Invitae Variant Classification Sherloc (09022015). Collection method: clinical testing. Allele origin: germline.
Comment: This sequence change replaces asparagine, which is neutral and polar, with aspartic acid, which is acidic and polar, at codon 194 of the ACADM protein (p.Asn194Asp). This variant is present in population databases (rs773677327, gnomAD 0.01%). This missense change has been observed in individual(s) with MCAD deficiency (PMID: 18241067, 20434380, 23700290, 27751224). This variant is also known as p.N169D. ClinVar contains an entry for this variant (Variation ID: 226100). Invitae Evidence Modeling of protein sequence and biophysical properties (such as structural, functional, and spatial information, amino acid conservation, physicochemical variation, residue mobility, and thermodynamic stability) indicates that this missense variant is expected to disrupt ACADM protein function with a positive predictive value of 80%. For these reasons, this variant has been classified as Pathogenic.

Baylor Genetics
Classification: Pathogenic for Medium-chain acyl-coenzyme A dehydrogenase deficiency. Last evaluated: 2024-02-05. Review status: criteria provided, single submitter. Criteria: ACMG Guidelines, 2015. Collection method: clinical testing. Allele origin: unknown.

Women's Health and Genetics/Laboratory Corporation of America, LabCorp
Classification: Pathogenic for Medium-chain acyl-coenzyme A dehydrogenase deficiency. Last evaluated: 2023-02-24. Review status: criteria provided, single submitter. Criteria: LabCorp Variant Classification Summary - May 2015. Collection method: clinical testing. Allele origin: germline.
Comment: Variant summary: ACADM c.580A>G (p.Asn194Asp) results in a conservative amino acid change located in the Acyl-CoA oxidase/dehydrogenase, middle domain (IPR006091) of the encoded protein sequence. Four of five in-silico tools predict a damaging effect of the variant on protein function. The variant allele was found at a frequency of 2e-05 in 251392 control chromosomes (gnomAD). c.580A>G has been reported in the literature in multiple individuals affected with Medium Chain Acyl-CoA Dehydrogenase Deficiency (example: Nichols_2008, Chien_2013, Tan_2016). These data indicate that the variant is very likely to be associated with disease. Three clinical diagnostic laboratories have submitted clinical-significance assessments for this variant (condition: Medium-chain acyl-coenzyme A dehydrogenase deficiency) to ClinVar after 2014 and all classified the variant as pathogenic/likely pathogenic. Based on the evidence outlined above, the variant was classified as pathogenic.

ARUP Laboratories, Molecular Genetics and Genomics, ARUP Laboratories
Classification: Likely pathogenic for Medium-chain acyl-coenzyme A dehydrogenase deficiency. Last evaluated: 2018-06-25. Review status: criteria provided, single submitter. Criteria: ARUP Molecular Germline Variant Investigation Process. Collection method: clinical testing. Allele origin: germline.
Comment: The ACADM c.580A>G; p.Asn194Asp variant (rs773677327), also published as Asn169Asp, is reported in the medical literature in individuals with MCAD deficiency in both the homozygous state and in individuals with an additional pathogenic variant (Chien 2013, Nichols 2008, Smith 2010). The variant is listed in the ClinVar database (Variation ID: 226100) and in the Genome Aggregation Database in 5 out of 246188 alleles, indicating it is not a common polymorphism. The asparagine at codon 194 is highly conserved and computational analysis (PolyPhen-2, SIFT) predict this variant is deleterious. Considering available information, this variant is classified as likely pathogenic. References: Chien YH et al. Fatty Acid oxidation disorders in a chinese population in taiwan. JIMD Rep. 2013;11:165-72. Nichols MJ et al. Novel mutations causing medium chain acyl-CoA dehydrogenase deficiency: under-representation of the common c.985 A > G mutation in the New York state population. Am J Med Genet A. 2008 Mar 1;146A(5):610-9. Smith EH et al. Allelic diversity in MCAD deficiency: the biochemical classification of 54 variants identified during 5 years of ACADM sequencing. Mol Genet Metab. 2010 Jul;100(3):241-50.

Juno Genomics, Hangzhou Juno Genomics, Inc
Classification: Pathogenic for Medium-chain acyl-coenzyme A dehydrogenase deficiency. Review status: criteria provided, single submitter. Criteria: ACMG Guidelines, 2015. Collection method: clinical testing. Allele origin: germline.
Comment: Absent from controls (or at extremely low frequency if recessive) in Genome Aggregation Database.;Multiple lines of computational evidence support a deleterious effect on the gene or gene product.;For recessive disorders, detected in trans with a pathogenic variant.;Patient's phenotype or family history is highly specific for a disease with a single genetic etiology.

Counsyl
Classification: Likely pathogenic for Medium-chain acyl-coenzyme A dehydrogenase deficiency. Last evaluated: 2019-02-15. Review status: no assertion criteria provided. Collection method: clinical testing. Allele origin: unknown. Not counted in ClinVar's aggregate classification.

Literature cited by the submitters: PubMed 18241067 (cited by 5 submitters); PubMed 27751224 (cited by 5 submitters); PubMed 36068006 (cited by Myriad Genetics, Inc.); PubMed 40660651 (cited by Myriad Genetics, Inc.); PubMed 20434380 (cited by Labcorp Genetics (formerly Invitae), Labcorp and Counsyl); PubMed 23700290 (cited by 3 submitters).

NM_000016.6(ACADM):c.580A>G (p.Asn194Asp)

Gene: ACADM (acyl-CoA dehydrogenase medium chain; plus strand). Cytogenetic location: 1p31.1.
Variant type: single nucleotide variant.
Coding change: c.580A>G on transcript NM_000016.6 (MANE Select); coding-DNA position 580, A replaced by G.
Protein change: p.Asn194Asp; replaces asparagine 194 with aspartic acid.
Molecular consequence: missense variant.
Genome position (GRCh38, 1-based): chr1:75,740,091, A>G. VCF-style: chr1-75740091-A-G. GRCh37 (hg19) VCF-style: chr1-76205776-A-G.
Other names: c.592A>G, p.Asn198Asp (NM_001127328.3); c.472A>G, p.Asn158Asp (NM_001286042.2); c.679A>G, p.Asn227Asp (NM_001286043.2); c.13A>G, p.Asn5Asp (NM_001286044.2); short protein forms N194D, N198D, N227D, N5D, N158D.
Identifiers: ClinVar variation 226100 (VCV000226100.33), dbSNP rs773677327, ClinGen allele CA913137.